The following is an entry in ClinVar:

ClinVar aggregate classification (germline): Uncertain significance (1 of 4 stars; one submission).

Conditions:
Inborn genetic diseases. Identifiers: MedGen C0950123, MeSH D030342.

Allele frequency attached by ClinVar (database versions not stated): gnomAD 0.00001; ExAC 0.00002; gnomAD exomes 0.00003.

Submission:

Ambry Genetics
Classification: Uncertain significance for Inborn genetic diseases. Last evaluated: 2021-07-25. Review status: criteria provided, single submitter. Criteria: Ambry Variant Classification Scheme 2023. Collection method: clinical testing. Allele origin: germline.
Comment: The p.S325F variant (also known as c.974C>T), located in coding exon 8 of the ACD gene, results from a C to T substitution at nucleotide position 974. The serine at codon 325 is replaced by phenylalanine, an amino acid with highly dissimilar properties. This amino acid position is conserved. In addition, this alteration is predicted to be tolerated by in silico analysis. Since supporting evidence is limited at this time, the clinical significance of this alteration remains unclear.

NM_001082486.2(ACD):c.716C>T (p.Ser239Phe)

Gene: ACD (ACD shelterin complex subunit and telomerase recruitment factor; minus strand). Cytogenetic location: 16q22.1.
Variant type: single nucleotide variant.
Coding change: c.716C>T on transcript NM_001082486.2 (MANE Select); coding-DNA position 716, C replaced by T.
Protein change: p.Ser239Phe; replaces serine 239 with phenylalanine.
Molecular consequence: missense variant.
Genome position (GRCh38, 1-based): chr16:67,658,746, G>A on the plus strand (C>T on the coding strand, the complement: ACD is on the minus strand). VCF-style: chr16-67658746-G-A. GRCh37 (hg19) VCF-style: chr16-67692649-G-A.
Other names: c.716C>T, p.Ser239Phe (NM_001410884.1); c.707C>T, p.Ser236Phe (NM_022914.3); short protein forms S236F, S239F.
Identifiers: ClinVar variation 1768073 (VCV001768073.2), dbSNP rs751180771, ClinGen allele CA8114562.